The following is an entry in ClinVar:

NM_020975.6(RET):c.1760-17G>T

Gene: RET (ret proto-oncogene; plus strand). Cytogenetic location: 10q11.21.
Variant type: single nucleotide variant.
Coding change: c.1760-17G>T on transcript NM_020975.6 (MANE Select); 17 bases into the intron before coding-DNA position 1760, G replaced by T.
Molecular consequence: intron variant.
Genome position (GRCh38, 1-based): chr10:43,113,539, G>T. VCF-style: chr10-43113539-G-T. GRCh37 (hg19) VCF-style: chr10-43608987-G-T.
Other names: c.1760-17G>T (NM_020630.7, NM_001406743.1, NM_001406744.1 and 4 more transcripts); c.1364-17G>T (NM_001406772.1, NM_001406769.1); c.1322-17G>T (NM_001406773.1, NM_001406771.1); c.863-17G>T (NM_001406782.1, NM_001406780.1, NM_001406779.1 and 2 more transcripts); c.862+576G>T (NM_001406785.1); c.1631-17G>T (NM_001406764.1, NM_001406762.1, NM_001406761.1 and 1 more transcripts); c.1235-17G>T (NM_001406774.1); c.734-17G>T (NM_001406786.1, NM_001406783.1); and 7 more.
Identifiers: ClinVar variation 1633535 (VCV001633535.10), dbSNP rs2132825732, ClinGen allele CA2573145077.

ClinVar aggregate classification (germline): Likely benign. Review status: criteria provided, multiple submitters, no conflicts (2 of 4 stars). 2 submissions from 2 submitters: Likely benign (2). Last evaluated 2025-02-26.

Conditions:
Multiple endocrine neoplasia, type 2 (MEN2). Identifiers: Orphanet 653, MedGen C4048306, MONDO:0019003. Disease mechanism: gain of function.
Multiple endocrine neoplasia type 2A. Also called: Multiple Endocrine Neoplasia Type 2A (MEN2A); MULTIPLE ENDOCRINE NEOPLASIA, TYPE IIA; PTC SYNDROME; SIPPLE SYNDROME; MEN 2A; MEN-2A syndrome. Identifiers: Orphanet 247698, Orphanet 653, MedGen C0025268, MeSH D018813, MONDO:0008234, OMIM 171400.

Submissions (2):

Myriad Genetics, Inc.
Classification: Likely benign for Multiple endocrine neoplasia type 2A. Last evaluated: 2025-02-26. Review status: criteria provided, single submitter. Criteria: Myriad Autosomal Dominant, Autosomal Recessive and X-Linked Classification Criteria (2023). Collection method: clinical testing. Allele origin: unknown.
Comment: This variant is considered likely benign. This variant is intronic and is not expected to impact mRNA splicing.

Labcorp Genetics (formerly Invitae), Labcorp
Classification: Likely benign for Multiple endocrine neoplasia, type 2. Last evaluated: 2021-04-04. Review status: criteria provided, single submitter. Criteria: Invitae Variant Classification Sherloc (09022015). Collection method: clinical testing. Allele origin: germline.